The following is an entry in ClinVar:

ClinVar aggregate classification (germline): Uncertain significance (1 of 4 stars; one submission).

Submission:

GeneDx
Classification: Uncertain significance. Last evaluated: 2026-02-12. Review status: criteria provided, single submitter. Criteria: GeneDx Variant Classification Process June 2021. Collection method: clinical testing. Allele origin: germline.
Comment: Not observed at significant frequency in large population cohorts (gnomAD); In silico analysis suggests that this missense variant does not alter protein structure/function; Has not been previously published as pathogenic or benign to our knowledge

NM_000503.6(EYA1):c.1244G>A (p.Ser415Asn)

Gene: EYA1 (EYA transcriptional coactivator and phosphatase 1; minus strand). Cytogenetic location: 8q13.3.
Variant type: single nucleotide variant.
Coding change: c.1244G>A on transcript NM_000503.6 (MANE Select); coding-DNA position 1244, G replaced by A.
Protein change: p.Ser415Asn; replaces serine 415 with asparagine.
Molecular consequence: missense variant.
Genome position (GRCh38, 1-based): chr8:71,216,808, C>T on the plus strand (G>A on the coding strand, the complement: EYA1 is on the minus strand). VCF-style: chr8-71216808-C-T. GRCh37 (hg19) VCF-style: chr8-72129043-C-T.
Other names: c.1226G>A, p.Ser409Asn (NM_001288574.2, NM_172059.5); c.878G>A, p.Ser293Asn (NM_001288575.2); c.1331G>A, p.Ser444Asn (NM_001370333.1); c.1244G>A, p.Ser415Asn (NM_001370334.1, NM_001370335.1, NM_172058.4); c.1223G>A, p.Ser408Asn (NM_001370336.1); c.1145G>A, p.Ser382Asn (NM_001411797.1, NM_172060.4); short protein forms S293N, S382N, S408N, S409N, S415N, S444N.
Identifiers: ClinVar variation 4976557 (VCV004976557.1).